The following is an entry in ClinVar:

ClinVar aggregate classification (germline): Pathogenic (1 of 4 stars; one submission).

Submission:

Labcorp Genetics (formerly Invitae), Labcorp
Classification: Pathogenic. Last evaluated: 2024-02-23. Review status: criteria provided, single submitter. Criteria: Invitae Variant Classification Sherloc (09022015). Collection method: clinical testing. Allele origin: germline.
Comment: This sequence change creates a premature translational stop signal (p.Glu812*) in the COL17A1 gene. It is expected to result in an absent or disrupted protein product. Loss-of-function variants in COL17A1 are known to be pathogenic (PMID: 16473856, 17344927, 20301304, 21357940, 24319098). This variant is not present in population databases (gnomAD no frequency). This variant has not been reported in the literature in individuals affected with COL17A1-related conditions. Algorithms developed to predict the effect of sequence changes on RNA splicing suggest that this variant may disrupt the consensus splice site. For these reasons, this variant has been classified as Pathogenic.

Literature cited by the submitters: PubMed 16473856; PubMed 17344927; PubMed 20301304; PubMed 21357940; PubMed 24319098.

NM_000494.4(COL17A1):c.2434G>T (p.Glu812Ter)

Gene: COL17A1 (collagen type XVII alpha 1 chain; minus strand). Cytogenetic location: 10q25.1.
Variant type: single nucleotide variant.
Coding change: c.2434G>T on transcript NM_000494.4 (MANE Select); coding-DNA position 2434, G replaced by T.
Protein change: p.Glu812Ter; replaces glutamic acid 812 with a stop codon.
Molecular consequence: nonsense.
Genome position (GRCh38, 1-based): chr10:104,043,825, C>A on the plus strand (G>T on the coding strand, the complement: COL17A1 is on the minus strand). VCF-style: chr10-104043825-C-A. GRCh37 (hg19) VCF-style: chr10-105803583-C-A.
Other names: short protein forms E812*.
Identifiers: ClinVar variation 3642759 (VCV003642759.2).
Genomic context (GRCh38, chr10:104,043,825, plus strand): 5'-AAGGTAGGTGCCCAGTATAAGAAAGACACAGAAAGGAGGGTCCCTCTAGGACCTGCCTAC[C>A]CGAAGTCACGATCTTGCCTGGAGCTCCTGGTTCACCTAGGAAGAGAGGAAAAGGCTGAGA-3'